The following is an entry in ClinVar:

NM_015335.5(MED13L):c.5939T>A (p.Met1980Lys)

Gene: MED13L (mediator complex subunit 13L; minus strand). Cytogenetic location: 12q24.21.
Variant type: single nucleotide variant.
Coding change: c.5939T>A on transcript NM_015335.5 (MANE Select); coding-DNA position 5939, T replaced by A.
Protein change: p.Met1980Lys; replaces methionine 1980 with lysine.
Molecular consequence: missense variant.
Genome position (GRCh38, 1-based): chr12:115,970,722, A>T on the plus strand (T>A on the coding strand, the complement: MED13L is on the minus strand). VCF-style: chr12-115970722-A-T. GRCh37 (hg19) VCF-style: chr12-116408527-A-T.
Other names: short protein forms M1980K.
Identifiers: ClinVar variation 852862 (VCV000852862.10), dbSNP rs1876523724, ClinGen allele CA386876497.

ClinVar aggregate classification (germline): Uncertain significance (1 of 4 stars; one submission).

Conditions:
Dextro-looped transposition of the great arteries. Also called: Dextrotransposition of the great arteries. Identifiers: Orphanet 860, MedGen C3531771, MONDO:0019443, OMIM 608808, HP:0031348.

Submission:

Labcorp Genetics (formerly Invitae), Labcorp
Classification: Uncertain significance for Dextro-looped transposition of the great arteries. Last evaluated: 2019-12-03. Review status: criteria provided, single submitter. Criteria: Invitae Variant Classification Sherloc (09022015). Collection method: clinical testing. Allele origin: germline.
Comment: In summary, the available evidence is currently insufficient to determine the role of this variant in disease. Therefore, it has been classified as a Variant of Uncertain Significance. Algorithms developed to predict the effect of missense changes on protein structure and function are either unavailable or do not agree on the potential impact of this missense change (SIFT: "Tolerated"; PolyPhen-2: "Possibly Damaging"; Align-GVGD: "Class C0"). This variant has not been reported in the literature in individuals with MED13L-related conditions. This variant is not present in population databases (ExAC no frequency). This sequence change replaces methionine with lysine at codon 1980 of the MED13L protein (p.Met1980Lys). The methionine residue is moderately conserved and there is a moderate physicochemical difference between methionine and lysine.